The following is an entry in ClinVar:

NM_000059.4(BRCA2):c.9465_9466insTGAT (p.Gln3156Ter)

Gene: BRCA2 (BRCA2 DNA repair associated; plus strand). Cytogenetic location: 13q13.1.
Variant type: Insertion.
Coding change: c.9465_9466insTGAT on transcript NM_000059.4 (MANE Select); coding-DNA positions 9465 to 9466, TGAT inserted.
Protein change: p.Gln3156Ter; replaces glutamine 3156 with a stop codon.
Molecular consequence: nonsense.
Genome position: GRCh38 VCF-style: chr13-32394896-T-TTTGA. GRCh37 (hg19) VCF-style: chr13-32969033-T-TTTGA.
Other names: short protein forms Q3156*.
Identifiers: ClinVar variation 495520 (VCV000495520.1), dbSNP rs1555289602, ClinGen allele CA658683822.
Genomic context (GRCh38, chr13:32,394,896, plus strand): 5'-TTCTTACTTTATTTGCTGGAGATTTTTCTGTGTTTTCTGCTAGTCCAAAAGAGGGCCACT[T>TTTGA]TCAAGAGACATTCAACAAAATGAAAAATACTGTTGAGGTAAGGTTACTTTTCAGCATCAC-3'

ClinVar aggregate classification (germline): Likely pathogenic (1 of 4 stars; one submission).

Conditions:
Hereditary breast ovarian cancer syndrome. Also called: Breast and ovarian cancer; BRCA1- and BRCA2-Associated Hereditary Breast and Ovarian Cancer; Hereditary breast and ovarian cancer syndrome (HBOC); Hereditary breast and ovarian cancer; Hereditary breast and/or ovarian cancer syndrome; Hereditary breast and ovarian cancer syndrome. Identifiers: Orphanet 145, MedGen C0677776, MeSH D061325, MONDO:0003582. Disease mechanism: loss of function.

Submission:

Women's Health and Genetics/Laboratory Corporation of America, LabCorp
Classification: Likely pathogenic for Hereditary breast ovarian cancer syndrome. Last evaluated: 2016-04-11. Review status: criteria provided, single submitter. Criteria: LabCorp Variant Classification Summary - May 2015. Collection method: clinical testing. Allele origin: germline.
Comment: Variant summary: The c.9465_9466insTGAT variant introduces a premature termination codon, predicted to cause a truncated or absent BRCA2 protein, which is a commonly known mechanism for disease. Truncations downstream of this position have been classified as pathogenic by our laboratory (e.g.c.9924C>G/p.Tyr3308X). One in-silico tool predicts damaging outcome for this variant. This variant is not found in 121304 control chromosomes. The variant of interest has not, to our knowledge, been reported in affected individuals via publications and/or reputable databases/clinical laboratories; nor evaluated for functional impact by in vivo/vitro studies. Taken together, this variant was classified as likely pathogenic.